The following is an entry in ClinVar:

NM_002335.4(LRP5):c.4488+10G>A

Gene: LRP5 (LDL receptor related protein 5; plus strand). Cytogenetic location: 11q13.2.
Variant type: single nucleotide variant.
Coding change: c.4488+10G>A on transcript NM_002335.4 (MANE Select); 10 bases into the intron after coding-DNA position 4488, G replaced by A.
Molecular consequence: intron variant.
Genome position (GRCh38, 1-based): chr11:68,439,926, G>A. VCF-style: chr11-68439926-G-A. GRCh37 (hg19) VCF-style: chr11-68207394-G-A.
Other names: c.2745+10G>A (NM_001291902.2).
Identifiers: ClinVar variation 721343 (VCV000721343.15), dbSNP rs202206612, ClinGen allele CA6150382.

ClinVar aggregate classification (germline): Benign/Likely benign. Review status: criteria provided, multiple submitters, no conflicts (2 of 4 stars). 4 submissions from 4 submitters: Benign (2); Likely benign (1). 1 of the submissions does not count toward it. Last evaluated 2026-01-24.

Conditions:
LRP5-related disorder. Also called: LRP5-related condition.

Allele frequency attached by ClinVar (database versions not stated): gnomAD 0.00010 and 0.00016; TOPMed 0.00022; gnomAD exomes 0.00023 and 0.00040; ExAC 0.00081; 1000 Genomes Project 0.00100.
gnomAD v4.1: 338 of 1,537,438 alleles (0.022%); highest among the groups gnomAD compares: East Asian, 0.68%; 2 homozygotes.

Submissions (4):

Labcorp Genetics (formerly Invitae), Labcorp
Classification: Benign. Last evaluated: 2026-01-24. Review status: criteria provided, single submitter. Criteria: Invitae Variant Classification Sherloc (09022015). Collection method: clinical testing. Allele origin: germline.

Women's Health and Genetics/Laboratory Corporation of America, LabCorp
Classification: Benign. Last evaluated: 2025-01-08. Review status: criteria provided, single submitter. Criteria: LabCorp Variant Classification Summary - May 2015. Collection method: clinical testing. Allele origin: germline.
Comment: Variant summary: LRP5 c.4488+10G>A alters a non-conserved nucleotide located at a position not widely known to affect splicing. Consensus agreement among computation tools predict no significant impact on normal splicing. However, these predictions have yet to be confirmed by functional studies. The variant allele was found at a frequency of 0.0004 in 146736 control chromosomes, predominantly at a frequency of 0.0042 within the East Asian subpopulation in the gnomAD database. The observed variant frequency within East Asian control individuals in the gnomAD database is approximately 31.36 fold of the estimated maximal expected allele frequency for a pathogenic variant in LRP5 causing Idiopathic Osteoporosis phenotype (0.00013). To our knowledge, no occurrence of c.4488+10G>A in individuals affected with Idiopathic Osteoporosis and no experimental evidence demonstrating its impact on protein function have been reported. ClinVar contains an entry for this variant (Variation ID: 721343). Based on the evidence outlined above, the variant was classified as benign.

Blueprint Genetics
Classification: Likely benign. Last evaluated: 2024-08-28. Review status: criteria provided, single submitter. Criteria: ACMG Guidelines, 2015. Collection method: clinical testing. Allele origin: germline.

PreventionGenetics, part of Exact Sciences
Classification: Likely benign for LRP5-related condition. Last evaluated: 2021-10-05. Review status: no assertion criteria provided. Collection method: clinical testing. Allele origin: germline. Not counted in ClinVar's aggregate classification.
Comment: This variant is classified as likely benign based on ACMG/AMP sequence variant interpretation guidelines (Richards et al. 2015 PMID: 25741868, with internal and published modifications).